The following is an entry in ClinVar:

ClinVar aggregate classification (germline): Uncertain significance (1 of 4 stars; one submission).

Allele frequency attached by ClinVar (database versions not stated): gnomAD 0.00001.
gnomAD v4.1: 1 of 1,613,940 alleles (0.000062%); highest among the groups gnomAD compares: Non-Finnish European, 0.000085%; no homozygotes.

Submission:

Labcorp Genetics (formerly Invitae), Labcorp
Classification: Uncertain significance. Last evaluated: 2022-09-19. Review status: criteria provided, single submitter. Criteria: Invitae Variant Classification Sherloc (09022015). Collection method: clinical testing. Allele origin: germline.
Comment: This sequence change replaces leucine, which is neutral and non-polar, with valine, which is neutral and non-polar, at codon 151 of the CLCN7 protein (p.Leu151Val). This variant is not present in population databases (gnomAD no frequency). This variant has not been reported in the literature in individuals affected with CLCN7-related conditions. ClinVar contains an entry for this variant (Variation ID: 1359495). Advanced modeling of protein sequence and biophysical properties (such as structural, functional, and spatial information, amino acid conservation, physicochemical variation, residue mobility, and thermodynamic stability) performed at Invitae indicates that this missense variant is not expected to disrupt CLCN7 protein function. In summary, the available evidence is currently insufficient to determine the role of this variant in disease. Therefore, it has been classified as a Variant of Uncertain Significance.

NM_001287.6(CLCN7):c.451C>G (p.Leu151Val)

Gene: CLCN7 (Cl-/H+ antiporter 7; minus strand). Cytogenetic location: 16p13.3.
Variant type: single nucleotide variant.
Coding change: c.451C>G on transcript NM_001287.6 (MANE Select); coding-DNA position 451, C replaced by G.
Protein change: p.Leu151Val; replaces leucine 151 with valine.
Molecular consequence: missense variant.
Genome position (GRCh38, 1-based): chr16:1,460,849, G>C on the plus strand (C>G on the coding strand, the complement: CLCN7 is on the minus strand). VCF-style: chr16-1460849-G-C. GRCh37 (hg19) VCF-style: chr16-1510850-G-C.
Other names: c.379C>G, p.Leu127Val (NM_001114331.3); short protein forms L127V, L151V.
Identifiers: ClinVar variation 1359495 (VCV001359495.6), dbSNP rs1323190910, ClinGen allele CA394192435.